The following is an entry in ClinVar:

NM_006947.4(SRP72):c.25dup (p.Val9fs)

Genes: SRP72 (signal recognition particle 72; plus strand), LOC129992625 (ATAC-STARR-seq lymphoblastoid active region 21580; plus strand). Cytogenetic location: 4q12.
Variant type: Duplication.
Coding change: c.25dup on transcript NM_006947.4 (MANE Select); coding-DNA position 25, one base duplicated (G; older notation c.25dupG).
Protein change: p.Val9fs; shifts the reading frame from valine 9.
Molecular consequence: frameshift variant. On other transcripts: non-coding transcript variant (1).
Genome position (GRCh38, 1-based): chr4:56,467,660, G duplicated; the last of 7 consecutive G bases (chr4:56,467,654-56,467,660); duplicating any one gives the same sequence. VCF-style (leftmost placement, unchanged base first): chr4-56467653-C-CG. GRCh37 (hg19) VCF-style: chr4-57333819-C-CG.
Other names: c.25dupG (NM_006947.3); c.25dup, p.Val9fs (NM_001267722.2); short protein forms V9fs.
Identifiers: ClinVar variation 1723735 (VCV001723735.11), dbSNP rs763130641, ClinGen allele CA2930918.

ClinVar aggregate classification (germline): Uncertain significance. Review status: criteria provided, multiple submitters, no conflicts (2 of 4 stars). 4 submissions from 4 submitters: Uncertain significance (3). 1 of the submissions does not count toward it. Last evaluated 2025-12-09.

Conditions:
Autosomal dominant aplasia and myelodysplasia. Also called: Bone marrow failure syndrome 1. Identifiers: Orphanet 314399, MedGen C3808553, MONDO:0013851, OMIM 614675.
SRP72-related disorder. Also called: SRP72-related condition.

Submissions (4):

Labcorp Genetics (formerly Invitae), Labcorp
Classification: Uncertain significance. Last evaluated: 2025-12-09. Review status: criteria provided, single submitter. Criteria: Invitae Variant Classification Sherloc (09022015). Collection method: clinical testing. Allele origin: germline.
Comment: This sequence change creates a premature translational stop signal (p.Val9Glyfs*9) in the SRP72 gene. It is expected to result in an absent or disrupted protein product. However, the current clinical and genetic evidence is not sufficient to establish whether loss-of-function variants in SRP72 cause disease. The frequency data for this variant in the population databases is considered unreliable, as metrics indicate poor data quality at this position in the gnomAD database. This variant has not been reported in the literature in individuals affected with SRP72-related conditions. ClinVar contains an entry for this variant (Variation ID: 1723735). In summary, the available evidence is currently insufficient to determine the role of this variant in disease. Therefore, it has been classified as a Variant of Uncertain Significance.

St. Jude Molecular Pathology, St. Jude Children's Research Hospital
Classification: Uncertain significance for Autosomal dominant aplasia and myelodysplasia. Last evaluated: 2024-09-09. Review status: criteria provided, single submitter. Criteria: St. Jude Assertion Criteria 2020. Collection method: clinical testing. Allele origin: germline.
Comment: The SRP72 c.25dup (p.Val9GlyfsTer9) change causes a frameshift of the protein coding sequence and the creation of a premature stop codon, however the functional significance of this variant is currently unknown. This variant has a maximum subpopulation frequency of 0.012% in gnomAD v2.1.1. This variant has not been reported in individuals with SRP72-associated bone marrow failure. In summary, the evidence currently available is insufficient to determine the clinical significance of this variant. It has therefore been classified as of uncertain significance.

GeneDx
Classification: Uncertain significance. Last evaluated: 2023-08-10. Review status: criteria provided, single submitter. Criteria: GeneDx Variant Classification Process June 2021. Collection method: clinical testing. Allele origin: germline. Affected: yes.
Comment: Frameshift variant predicted to result in protein truncation or nonsense mediated decay in a gene or region of a gene for which loss of function is not an established mechanism of disease; Has not been previously published as pathogenic or benign to our knowledge

PreventionGenetics, part of Exact Sciences
Classification: Uncertain significance for SRP72-related condition. Last evaluated: 2024-08-05. Review status: no assertion criteria provided. Collection method: clinical testing. Allele origin: germline. Not counted in ClinVar's aggregate classification.
Comment: The SRP72 c.25dupG variant is predicted to result in a frameshift and premature protein termination (p.Val9Glyfs*9). To our knowledge, this variant has not been reported in the literature. This variant is reported in 0.012% of alleles in individuals of South Asian descent in gnomAD. Loss of function has not been conclusively established as a mechanism for SRP72-related disorders. Although we suspect that this variant may be pathogenic, at this time, the clinical significance of this variant is uncertain due to the absence of conclusive functional and genetic evidence.